The following is an entry in ClinVar:

NM_153460.4(IL17RC):c.1031C>G (p.Pro344Arg)

Gene: IL17RC (interleukin 17 receptor C; plus strand). Cytogenetic location: 3p25.3.
Variant type: single nucleotide variant.
Coding change: c.1031C>G on transcript NM_153460.4 (MANE Select); coding-DNA position 1031, C replaced by G.
Protein change: p.Pro344Arg; replaces proline 344 with arginine.
Molecular consequence: missense variant. On other transcripts: non-coding transcript variant (1).
Genome position (GRCh38, 1-based): chr3:9,928,458, C>G. VCF-style: chr3-9928458-C-G. GRCh37 (hg19) VCF-style: chr3-9970142-C-G.
Other names: c.1031C>G, p.Pro344Arg (NM_001203263.2, NM_001203264.2); c.986C>G, p.Pro329Arg (NM_001203265.2, NM_001367280.1, NM_001410711.1 and 1 more transcripts); c.992C>G, p.Pro331Arg (NM_001367278.1); c.911C>G, p.Pro304Arg (NM_001367279.1); c.1244C>G, p.Pro415Arg (NM_153461.4); short protein forms P344R, P304R, P329R, P331R, P415R.
Identifiers: ClinVar variation 2198145 (VCV002198145.4), dbSNP rs151311782, ClinGen allele CA351762090.
Genomic context (GRCh38, chr3:9,928,458, plus strand): 5'-CAGAAGCGGCACTGTGCTGGCGGGCTCCGGGTGGGGACCCCTGCCAGCCACTGGTCCCAC[C>G]GCTTTCCTGGGAGAACGTCACTGTGGACGTAAGTGAAGCAGAGGGCACCTCCCGTGGTGA-3'
Protein context (NP_703190.2, residues 334-354): GGDPCQPLVP[Pro344Arg]LSWENVTVDK

ClinVar aggregate classification (germline): Uncertain significance (1 of 4 stars; one submission).

Conditions:
Candidiasis, familial, 9 (CANDF9). Identifiers: Orphanet 1334, MedGen C4225324, MONDO:0014642, OMIM 616445.

gnomAD v4.1: 1 of 1,609,938 alleles (0.000062%); highest among the groups gnomAD compares: Non-Finnish European, 0.000085%; no homozygotes.

Submission:

Labcorp Genetics (formerly Invitae), Labcorp
Classification: Uncertain significance for Candidiasis, familial, 9. Last evaluated: 2022-03-29. Review status: criteria provided, single submitter. Criteria: Invitae Variant Classification Sherloc (09022015). Collection method: clinical testing. Allele origin: germline.
Comment: This sequence change replaces proline, which is neutral and non-polar, with arginine, which is basic and polar, at codon 415 of the IL17RC protein (p.Pro415Arg). This variant is not present in population databases (gnomAD no frequency). This variant has not been reported in the literature in individuals affected with IL17RC-related conditions. Algorithms developed to predict the effect of missense changes on protein structure and function are either unavailable or do not agree on the potential impact of this missense change (SIFT: "Tolerated"; PolyPhen-2: "Possibly Damaging"; Align-GVGD: "Class C0"). In summary, the available evidence is currently insufficient to determine the role of this variant in disease. Therefore, it has been classified as a Variant of Uncertain Significance.